The following is an entry in ClinVar:

ClinVar aggregate classification (germline): Uncertain significance (1 of 4 stars; one submission).

Conditions:
Joubert syndrome 21 (JBTS21). Identifiers: MedGen C3810212, MONDO:0014288, OMIM 615636.

Submission:

Labcorp Genetics (formerly Invitae), Labcorp
Classification: Uncertain significance for Joubert syndrome 21. Last evaluated: 2020-12-24. Review status: criteria provided, single submitter. Criteria: Invitae Variant Classification Sherloc (09022015). Collection method: clinical testing. Allele origin: germline.
Comment: In summary, the available evidence is currently insufficient to determine the role of this variant in disease. Therefore, it has been classified as a Variant of Uncertain Significance. Algorithms developed to predict the effect of sequence changes on RNA splicing suggest that this variant may create or strengthen a splice site, but this prediction has not been confirmed by published transcriptional studies. Algorithms developed to predict the effect of missense changes on protein structure and function are either unavailable or do not agree on the potential impact of this missense change (SIFT: "Tolerated"; PolyPhen-2: "Possibly Damaging"; Align-GVGD: "Class C0"). This variant has not been reported in the literature in individuals with CSPP1-related conditions. This variant is not present in population databases (ExAC no frequency). This sequence change replaces lysine with arginine at codon 1147 of the CSPP1 protein (p.Lys1147Arg). The lysine residue is moderately conserved and there is a small physicochemical difference between lysine and arginine.

NM_001382391.1(CSPP1):c.3455A>G (p.Lys1152Arg)

Genes: ARFGEF1 (ARF guanine nucleotide exchange factor 1; minus strand), CSPP1 (centrosome and spindle pole associated protein 1; plus strand). Cytogenetic location: 8q13.2.
Variant type: single nucleotide variant.
Coding change: c.3455A>G on transcript NM_001382391.1 (MANE Select); coding-DNA position 3455, A replaced by G.
Protein change: p.Lys1152Arg; replaces lysine 1152 with arginine.
Molecular consequence: missense variant. On other transcripts: intron variant (3).
Genome position (GRCh38, 1-based): chr8:67,193,588, A>G. VCF-style: chr8-67193588-A-G. GRCh37 (hg19) VCF-style: chr8-68105823-A-G.
Other names: c.2405A>G, p.Lys802Arg (NM_001291339.2); c.3374A>G, p.Lys1125Arg (NM_001363131.2); c.3260A>G, p.Lys1087Arg (NM_001363132.2); c.3179A>G, p.Lys1060Arg (NM_001363133.2); c.3521A>G, p.Lys1174Arg (NM_001364869.1); c.3341A>G, p.Lys1114Arg (NM_001364870.1); c.3287A>G, p.Lys1096Arg (NM_001438330.1); c.2756A>G, p.Lys919Arg (NM_001438332.1); and 4 more; short protein forms K1087R, K1114R, K1147R, K802R, K1125R, K1174R, K1060R, K1152R.
Identifiers: ClinVar variation 1462856 (VCV001462856.7), dbSNP rs2129575980, ClinGen allele CA371203265.